The following is an entry in ClinVar:

ClinVar aggregate classification (germline): Uncertain significance (1 of 4 stars; one submission).

Conditions:
Inborn genetic diseases. Identifiers: MedGen C0950123, MeSH D030342.

Submission:

Ambry Genetics
Classification: Uncertain significance for Inborn genetic diseases. Last evaluated: 2022-03-24. Review status: criteria provided, single submitter. Criteria: Ambry Variant Classification Scheme 2023. Collection method: clinical testing. Allele origin: germline.
Comment: The c.1658C>G (p.S553C) alteration is located in exon 13 (coding exon 12) of the SPTBN1 gene. This alteration results from a C to G substitution at nucleotide position 1658, causing the serine (S) at amino acid position 553 to be replaced by a cysteine (C). This variant was not reported in population-based cohorts in the Genome Aggregation Database (gnomAD). This amino acid position is highly conserved in available vertebrate species. The in silico prediction for this alteration is inconclusive. Based on insufficient or conflicting evidence, the clinical significance of this alteration remains unclear.

NM_003128.3(SPTBN1):c.1658C>G (p.Ser553Cys)

Gene: SPTBN1 (spectrin beta, non-erythrocytic 1; plus strand). Cytogenetic location: 2p16.2.
Variant type: single nucleotide variant.
Coding change: c.1658C>G on transcript NM_003128.3 (MANE Select); coding-DNA position 1658, C replaced by G.
Protein change: p.Ser553Cys; replaces serine 553 with cysteine.
Molecular consequence: missense variant.
Genome position (GRCh38, 1-based): chr2:54,628,110, C>G. VCF-style: chr2-54628110-C-G. GRCh37 (hg19) VCF-style: chr2-54855247-C-G.
Other names: c.1619C>G, p.Ser540Cys (NM_178313.3); short protein forms S540C, S553C.
Identifiers: ClinVar variation 2219084 (VCV002219084.2), dbSNP rs549681124, ClinGen allele CA346875953.